The following is an entry in ClinVar:

ClinVar aggregate classification (germline): Pathogenic. Review status: criteria provided, single submitter (1 of 4 stars). 2 submissions from 2 submitters: Pathogenic (1). 1 of the submissions does not count toward it. Last evaluated 2025-09-24.

Conditions:
non-lesional focal epilepsy.
SLC35A2-congenital disorder of glycosylation. Also called: SLC35A2-CDG; EPILEPTIC ENCEPHALOPATHY, EARLY INFANTILE, 22; DEVELOPMENTAL AND EPILEPTIC ENCEPHALOPATHY 22; CONGENITAL DISORDER OF GLYCOSYLATION, TYPE IIm; CDG IIm; CONGENITAL DISORDER OF GLYCOSYLATION, TYPE IIm, SOMATIC MOSAIC. Identifiers: Orphanet 356961, MedGen C3806688, MONDO:0010478, OMIM 300896.

Submissions (2):

3billion
Classification: Pathogenic for SLC35A2-congenital disorder of glycosylation. Last evaluated: 2025-09-24. Review status: criteria provided, single submitter. Criteria: ACMG Guidelines, 2015. Collection method: clinical testing. Allele origin: germline. Affected: yes.
Comment: The variant is not observed in the gnomAD v4.1.0 dataset. Predicted Consequence/Location: Frameshift: predicted to result in a loss or disruption of normal protein function through nonsense-mediated decay (NMD) or protein truncation. Multiple pathogenic variants are reported downstream of the variant. The variant has been reported to be associated with SLC35A2-related disorder (ClinVar ID: VCV001344582 /PMID: 29679388 /3billion dataset). Therefore, this variant is classified as Pathogenic according to the recommendation of ACMG/AMP guideline.

Yale Center for Mendelian Genomics, Yale University
Classification: Likely pathogenic for non-lesional focal epilepsy. Last evaluated: 2018-05-16. Review status: no assertion criteria provided. Collection method: literature only. Allele origin: somatic. Affected: yes. Observed: 1 heterozygote. Study: Yale Center for Mendelian Genomics. Not counted in ClinVar's aggregate classification.

Literature cited by the submitters: PubMed 29679388 (cited by 3billion and Yale Center for Mendelian Genomics, Yale University).

NM_005660.3(SLC35A2):c.747_757dup (p.Ala253fs)

Gene: SLC35A2 (solute carrier family 35 member A2; minus strand). Cytogenetic location: Xp11.23.
Variant type: Duplication.
Coding change: c.747_757dup on transcript NM_005660.3 (MANE Select); coding-DNA positions 747 to 757, 11 bases duplicated (GCTCTGGTGGG).
Protein change: p.Ala253fs; shifts the reading frame from alanine 253.
Molecular consequence: frameshift variant. On other transcripts: intron variant (3).
Genome position (GRCh38, 1-based): chrX:48,905,152-48,905,162, CCCACCAGAGC duplicated on the plus strand (GCTCTGGTGGG on the coding strand, the reverse complement: SLC35A2 is on the minus strand); duplicating any 11 consecutive bases within chrX:48,905,152-48,905,170 gives the same sequence; the c. name uses the placement nearest the transcript's 3' end. VCF-style (leftmost placement, unchanged base first): chrX-48905151-G-GCCCACCAGAGC. GRCh37 (hg19) VCF-style: chrX-48762428-G-GCCCACCAGAGC.
Other names: c.747_757dup, p.Ala253fs (NM_001042498.3); c.564_574dup, p.Ala192fs (NM_001282649.2); c.786_796dup, p.Ala266fs (NM_001282650.2); c.831_841dup, p.Ala281fs (NM_001282651.2); c.427-270_427-260dup (NM_001282647.2, NM_001032289.3); c.355-270_355-260dup (NM_001282648.2); short protein forms A192fs, A253fs, A266fs, A281fs.
Identifiers: ClinVar variation 1344582 (VCV001344582.2), dbSNP rs2147486766, ClinGen allele CA2573158995.